The following is an entry in ClinVar:

NC_012920.1(MT-ND2):m.5301A>G

Gene: MT-ND2 (mitochondrially encoded NADH dehydrogenase 2; plus strand).
Variant type: single nucleotide variant.
Genome position: chrM-5301-A-G.
Identifiers: ClinVar variation 692572 (VCV000692572.2), dbSNP rs199794187, ClinGen allele CA337097103.
Genomic context (GRCh38, chrMT:5,301, plus strand): 5'-ACCGGCTTTTTGCCCAAATGGGCCATTATCGAAGAATTCACAAAAAACAATAGCCTCATC[A>G]TCCCCACCATCATAGCCACCATCACCCTCCTTAACCTCTACTTCTACCTACGCCTAATCT-3'

ClinVar aggregate classification (germline): Benign. Review status: criteria provided, multiple submitters, no conflicts (2 of 4 stars). 2 submissions from 2 submitters: Benign (2). Last evaluated 2025-02-16.

Conditions:
Leigh syndrome (NULS). Also called: Leigh's necrotizing encephalopathy; Leigh's disease; Leigh Syndrome (mtDNA deletion); Leigh Disease; Subacute necrotizing encephalopathy; Necrotizing encephalopathy infantile subacute of Leigh. Identifiers: Orphanet 506, MedGen C2931891, MONDO:0009723, OMIM 256000.

Submissions (2):

Laboratory of Genetics, Children's Clinical University Hospital Latvia
Classification: Benign. Last evaluated: 2025-02-16. Review status: criteria provided, single submitter. Criteria: ACMG Guidelines, 2015. Collection method: clinical testing. Allele origin: germline. Affected: yes.

Wong Mito Lab, Molecular and Human Genetics, Baylor College of Medicine
Classification: Benign for Leigh syndrome. Last evaluated: 2019-10-17. Review status: criteria provided, single submitter. Criteria: Modified ACMG Guidelines (Unpublished). Collection method: clinical testing. Allele origin: germline.
Comment: The NC_012920.1:m.5301A>G (YP_003024027.1:p.Ile278Val) variant in MTND2 gene is interpretated to be a Benign variant based on the modified ACMG guidelines (unpublished). This variant meets the following evidence codes: BA1